The following is an entry in ClinVar:

NM_152296.5(ATP1A3):c.250C>T (p.Arg84Trp)

Gene: ATP1A3 (ATPase Na+/K+ transporting subunit alpha 3; minus strand). Cytogenetic location: 19q13.2.
Variant type: single nucleotide variant.
Coding change: c.250C>T on transcript NM_152296.5 (MANE Select); coding-DNA position 250, C replaced by T.
Protein change: p.Arg84Trp; replaces arginine 84 with tryptophan.
Molecular consequence: missense variant.
Genome position (GRCh38, 1-based): chr19:41,988,043, G>A on the plus strand (C>T on the coding strand, the complement: ATP1A3 is on the minus strand). VCF-style: chr19-41988043-G-A. GRCh37 (hg19) VCF-style: chr19-42492195-G-A.
Other names: c.283C>T, p.Arg95Trp (NM_001256213.2); c.289C>T, p.Arg97Trp (NM_001256214.2); short protein forms R84W, R95W, R97W.
Identifiers: ClinVar variation 1194603 (VCV001194603.4), dbSNP rs1555866028, ClinGen allele CA406056519.

ClinVar aggregate classification (germline): Uncertain significance. Review status: criteria provided, multiple submitters, no conflicts (2 of 4 stars). 3 submissions from 3 submitters: Uncertain significance (3). Last evaluated 2025-07-20.

Conditions:
Developmental and epileptic encephalopathy 99. Identifiers: MedGen C5562018, MONDO:0030473, OMIM 619606.
Dystonia 12 (DYT12). Also called: Rapid-Onset Dystonia-Parkinsonism (RDP); DYT-ATP1A3. Identifiers: Orphanet 71517, MedGen C1868681, MONDO:0007496, OMIM 128235.

Allele frequency attached by ClinVar (database versions not stated): gnomAD exomes below 0.00001.
gnomAD v4.1: 1 of 1,614,138 alleles (0.000062%); highest among the groups gnomAD compares: Non-Finnish European, 0.000085%; no homozygotes.

Submissions (3):

Labcorp Genetics (formerly Invitae), Labcorp
Classification: Uncertain significance for Dystonia 12. Last evaluated: 2025-07-20. Review status: criteria provided, single submitter. Criteria: Invitae Variant Classification Sherloc (09022015). Collection method: clinical testing. Allele origin: germline.
Comment: This sequence change replaces arginine, which is basic and polar, with tryptophan, which is neutral and slightly polar, at codon 84 of the ATP1A3 protein (p.Arg84Trp). This variant is not present in population databases (gnomAD no frequency). This variant has not been reported in the literature in individuals affected with ATP1A3-related conditions. ClinVar contains an entry for this variant (Variation ID: 1194603). Invitae Evidence Modeling of protein sequence and biophysical properties (such as structural, functional, and spatial information, amino acid conservation, physicochemical variation, residue mobility, and thermodynamic stability) indicates that this missense variant is expected to disrupt ATP1A3 protein function with a positive predictive value of 95%. In summary, the available evidence is currently insufficient to determine the role of this variant in disease. Therefore, it has been classified as a Variant of Uncertain Significance.

Genetics and Genomic Medicine Centre, NeuroGen Healthcare, NeuroGen Healthcare
Classification: Uncertain significance for Developmental and epileptic encephalopathy 99. Last evaluated: 2025-02-01. Review status: criteria provided, single submitter. Criteria: ACMG Guidelines, 2015. Collection method: clinical testing. Allele origin: unknown. Affected: yes.

GeneDx
Classification: Uncertain significance. Last evaluated: 2021-05-21. Review status: criteria provided, single submitter. Criteria: GeneDx Variant Classification Process June 2021. Collection method: clinical testing. Allele origin: germline. Affected: yes.
Comment: Not observed in large population cohorts (Lek et al., 2016); In silico analysis, which includes protein predictors and evolutionary conservation, supports a deleterious effect; Has not been previously published as pathogenic or benign to our knowledge